The following is an entry in ClinVar:

ClinVar aggregate classification (germline): Uncertain significance (1 of 4 stars; one submission).

Conditions:
Hereditary cancer-predisposing syndrome. Also called: Neoplastic Syndromes, Hereditary; Tumor predisposition; Hereditary neoplastic syndrome; Hereditary Cancer Syndrome. Identifiers: Orphanet 140162, MedGen C0027672, MeSH D009386, MONDO:0015356.

Submission:

Ambry Genetics
Classification: Uncertain significance for Hereditary cancer-predisposing syndrome. Last evaluated: 2023-10-22. Review status: criteria provided, single submitter. Criteria: Ambry Variant Classification Scheme 2023. Collection method: clinical testing. Allele origin: germline.
Comment: The p.K747R variant (also known as c.2240A>G), located in coding exon 12 of the RET gene, results from an A to G substitution at nucleotide position 2240. The lysine at codon 747 is replaced by arginine, an amino acid with highly similar properties. This amino acid position is conserved. In addition, the in silico prediction for this alteration is inconclusive. Since supporting evidence is limited at this time, the clinical significance of this alteration remains unclear.

NM_020975.6(RET):c.2240A>G (p.Lys747Arg)

Gene: RET (ret proto-oncogene; plus strand). Cytogenetic location: 10q11.21.
Variant type: single nucleotide variant.
Coding change: c.2240A>G on transcript NM_020975.6 (MANE Select); coding-DNA position 2240, A replaced by G.
Protein change: p.Lys747Arg; replaces lysine 747 with arginine.
Molecular consequence: missense variant.
Genome position (GRCh38, 1-based): chr10:43,116,687, A>G. VCF-style: chr10-43116687-A-G. GRCh37 (hg19) VCF-style: chr10-43612135-A-G.
Other names: c.2240A>G, p.Lys747Arg (NM_000323.2, NM_001406743.1, NM_001406744.1 and 4 more transcripts); c.1478A>G, p.Lys493Arg (NM_001355216.2); c.2111A>G, p.Lys704Arg (NM_001406761.1, NM_001406762.1, NM_001406764.1); c.2105A>G, p.Lys702Arg (NM_001406763.1, NM_001406765.1); c.1952A>G, p.Lys651Arg (NM_001406766.1, NM_001406767.1, NM_001406770.1); c.1976A>G, p.Lys659Arg (NM_001406768.1); c.1844A>G, p.Lys615Arg (NM_001406769.1, NM_001406772.1); c.1802A>G, p.Lys601Arg (NM_001406771.1, NM_001406773.1); and 10 more; short protein forms K264R, K312R, K352R, K403R, K405R, K408R, K417R, K448R.
Identifiers: ClinVar variation 3227524 (VCV003227524.1), dbSNP rs2132907852, ClinGen allele CA376554695.